The following is an entry in ClinVar:

ClinVar aggregate classification (germline): Uncertain significance. Review status: criteria provided, multiple submitters, no conflicts (2 of 4 stars). 2 submissions from 2 submitters: Uncertain significance (2). Last evaluated 2025-08-29.

Conditions:
Hereditary sensory neuropathy-deafness-dementia syndrome. Also called: NEUROPATHY, HEREDITARY SENSORY, WITH HEARING LOSS AND DEMENTIA; Hereditary Sensory and Autonomic Neuropathy Type 1E (HSAN1E); HSN IE; Hereditary sensory neuropathy type IE. Identifiers: Orphanet 456318, MedGen C3279885, MONDO:0013584, OMIM 614116.

Allele frequency attached by ClinVar (database versions not stated): ExAC below 0.00001; gnomAD exomes below 0.00001 and 0.00001; gnomAD 0.00001; TOPMed 0.00001.
gnomAD v4.1: 11 of 1,609,990 alleles (0.00068%); highest among the groups gnomAD compares: South Asian, 0.0022%; no homozygotes.

Submissions (2):

Labcorp Genetics (formerly Invitae), Labcorp
Classification: Uncertain significance for Hereditary sensory neuropathy-deafness-dementia syndrome. Last evaluated: 2025-08-29. Review status: criteria provided, single submitter. Criteria: Invitae Variant Classification Sherloc (09022015). Collection method: clinical testing. Allele origin: germline.
Comment: This sequence change replaces glycine, which is neutral and non-polar, with serine, which is neutral and polar, at codon 1465 of the DNMT1 protein (p.Gly1465Ser). The frequency data for this variant in the population databases is considered unreliable, as metrics indicate poor data quality at this position in the gnomAD database. This variant has not been reported in the literature in individuals affected with DNMT1-related conditions. ClinVar contains an entry for this variant (Variation ID: 992809). Invitae Evidence Modeling of protein sequence and biophysical properties (such as structural, functional, and spatial information, amino acid conservation, physicochemical variation, residue mobility, and thermodynamic stability) indicates that this missense variant is not expected to disrupt DNMT1 protein function with a negative predictive value of 80%. In summary, the available evidence is currently insufficient to determine the role of this variant in disease. Therefore, it has been classified as a Variant of Uncertain Significance.

New York Genome Center
Classification: Uncertain significance. Last evaluated: 2019-08-02. Review status: criteria provided, single submitter. Criteria: NYGC Assertion Criteria 2020. Collection method: clinical testing. Allele origin: paternal. Inheritance: Autosomal dominant inheritance. Affected: yes. Observed: 1 heterozygote. Study: CSER-NYCKidSeq. Segregation with disease not observed.

NM_001130823.3(DNMT1):c.4393G>A (p.Gly1465Ser)

Gene: DNMT1 (DNA methyltransferase 1; minus strand). Cytogenetic location: 19p13.2.
Variant type: single nucleotide variant.
Coding change: c.4393G>A on transcript NM_001130823.3 (MANE Select); coding-DNA position 4393, G replaced by A.
Protein change: p.Gly1465Ser; replaces glycine 1465 with serine.
Molecular consequence: missense variant.
Genome position (GRCh38, 1-based): chr19:10,137,181, C>T on the plus strand (G>A on the coding strand, the complement: DNMT1 is on the minus strand). VCF-style: chr19-10137181-C-T. GRCh37 (hg19) VCF-style: chr19-10247857-C-T.
Other names: c.4345G>A, p.Gly1449Ser (NM_001379.4, NM_001318730.2); c.4030G>A, p.Gly1344Ser (NM_001318731.2); short protein forms G1344S, G1449S, G1465S.
Identifiers: ClinVar variation 992809 (VCV000992809.8), dbSNP rs754833277, ClinGen allele CA9187523.
Genomic context (GRCh38, chr19:10,137,181, plus strand): 5'-AGCTGCTGCGGCCGTTCTTCCTGTCATGGTGGGTATACCGCAGCTTCCTGGCCATGGTGC[C>T]GTCTGAGAGCCGCACCTCGATGTTGGGCAGATCGCGCCAGTCTGACCCTGGGGCCAAGGG-3'
Protein context (NP_001124295.1, residues 1455-1475): LPNIEVRLSD[Gly1465Ser]TMARKLRYTH